The following is an entry in ClinVar:

ClinVar aggregate classification (germline): Uncertain significance (1 of 4 stars; one submission).

Conditions:
Dyskeratosis congenita, autosomal recessive 6 (DKCB6). Identifiers: MedGen C4225356, MONDO:0014600, OMIM 616353.
Pulmonary fibrosis and/or bone marrow failure, Telomere-related, 4. Also called: PULMONARY FIBROSIS AND/OR BONE MARROW FAILURE SYNDROME, TELOMERE-RELATED, 4. Identifiers: Orphanet 2032, MedGen C4225347, MONDO:0014612, OMIM 616371.

Allele frequency attached by ClinVar (database versions not stated): gnomAD exomes 0.00002; ExAC 0.00002.
gnomAD v4.1: 35 of 1,613,514 alleles (0.0022%); highest among the groups gnomAD compares: South Asian, 0.026%; no homozygotes.

Submission:

Labcorp Genetics (formerly Invitae), Labcorp
Classification: Uncertain significance for Dyskeratosis congenita, autosomal recessive 6; Pulmonary fibrosis and/or bone marrow failure, Telomere-related, 4. Last evaluated: 2025-10-21. Review status: criteria provided, single submitter. Criteria: Invitae Variant Classification Sherloc (09022015). Collection method: clinical testing. Allele origin: germline.
Comment: This sequence change replaces aspartic acid, which is acidic and polar, with asparagine, which is neutral and polar, at codon 588 of the PARN protein (p.Asp588Asn). This variant is present in population databases (rs750247455, gnomAD 0.02%). This variant has not been reported in the literature in individuals affected with PARN-related conditions. ClinVar contains an entry for this variant (Variation ID: 2164059). An algorithm developed to predict the effect of missense changes on protein structure and function (PolyPhen-2) suggests that this variant is likely to be tolerated. In summary, the available evidence is currently insufficient to determine the role of this variant in disease. Therefore, it has been classified as a Variant of Uncertain Significance.

NM_002582.4(PARN):c.1762G>A (p.Asp588Asn)

Gene: PARN (poly(A)-specific ribonuclease; minus strand). Cytogenetic location: 16p13.12.
Variant type: single nucleotide variant.
Coding change: c.1762G>A on transcript NM_002582.4 (MANE Select); coding-DNA position 1762, G replaced by A.
Protein change: p.Asp588Asn; replaces aspartic acid 588 with asparagine.
Molecular consequence: missense variant.
Genome position (GRCh38, 1-based): chr16:14,446,990, C>T on the plus strand (G>A on the coding strand, the complement: PARN is on the minus strand). VCF-style: chr16-14446990-C-T. GRCh37 (hg19) VCF-style: chr16-14540847-C-T.
Other names: c.1579G>A, p.Asp527Asn (NM_001134477.3); c.1624G>A, p.Asp542Asn (NM_001242992.2); short protein forms D542N, D527N, D588N.
Identifiers: ClinVar variation 2164059 (VCV002164059.4), dbSNP rs750247455, ClinGen allele CA7911934.
Genomic context (GRCh38, chr16:14,446,990, plus strand): 5'-CCTTTTTCCTTCCCTCTGAGAGGGGCTCTGCACAGGAATCGGTCTGCTCAAGCTCAGTGT[C>T]GGAAATCTCCCCTGACACTCCGTCCTCCAGGCCAGCTTCCTCTTGACTAGGACTCAAATT-3'
Protein context (NP_002573.1, residues 578-598): LEDGVSGEIS[Asp588Asn]TELEQTDSCA